The following is an entry in ClinVar:

ClinVar aggregate classification (germline): Uncertain significance. Review status: criteria provided, multiple submitters, no conflicts (2 of 4 stars). 3 submissions from 3 submitters: Uncertain significance (3). Last evaluated 2024-07-26.

Conditions:
Intellectual developmental disorder, X-linked, syndromic, Houge type. Also called: MENTAL RETARDATION, X-LINKED, SYNDROMIC, HOUGE TYPE; Intellectual disability, X-linked, syndromic, Houge type. Identifiers: MedGen C4538788, MONDO:0030909, OMIM 301008.
Inborn genetic diseases. Identifiers: MedGen C0950123, MeSH D030342.

Allele frequency attached by ClinVar (database versions not stated): gnomAD exomes 0.00005 and 0.00001; gnomAD 0.00004.
gnomAD v4.1: 48 of 1,047,297 alleles (0.0046%); highest among the groups gnomAD compares: Non-Finnish European, 0.0058%; no homozygotes.

Submissions (3):

Ambry Genetics
Classification: Uncertain significance for Inborn genetic diseases. Last evaluated: 2024-07-26. Review status: criteria provided, single submitter. Criteria: Ambry Variant Classification Scheme 2023. Collection method: clinical testing. Allele origin: germline.

Department of Clinical Genetics, Copenhagen University Hospital, Rigshospitalet
Classification: Uncertain significance for Intellectual developmental disorder, X-linked, syndromic, Houge type. Last evaluated: 2021-08-01. Review status: criteria provided, single submitter. Criteria: ACMG Guidelines, 2015. Collection method: clinical testing. Allele origin: inherited. Affected: yes.

Labcorp Genetics (formerly Invitae), Labcorp
Classification: Uncertain significance. Last evaluated: 2018-06-29. Review status: criteria provided, single submitter. Criteria: Invitae Variant Classification Sherloc (09022015). Collection method: clinical testing. Allele origin: germline.
Comment: In summary, the available evidence is currently insufficient to determine the role of this variant in disease. Therefore, it has been classified as a Variant of Uncertain Significance. Algorithms developed to predict the effect of missense changes on protein structure and function are either unavailable or do not agree on the potential impact of this missense change (SIFT: "Not available"; PolyPhen-2: "Benign"; Align-GVGD: "Not available"). This variant has not been reported in the literature in individuals with CNKSR2-related disease. This variant is not present in population databases (ExAC no frequency). This sequence change replaces serine with leucine at codon 908 of the CNKSR2 protein (p.Ser908Leu). The serine residue is highly conserved and there is a large physicochemical difference between serine and leucine.

NM_014927.5(CNKSR2):c.2723C>T (p.Ser908Leu)

Gene: CNKSR2 (connector enhancer of kinase suppressor of Ras 2; plus strand). Cytogenetic location: Xp22.12.
Variant type: single nucleotide variant.
Coding change: c.2723C>T on transcript NM_014927.5 (MANE Select); coding-DNA position 2723, C replaced by T.
Protein change: p.Ser908Leu; replaces serine 908 with leucine.
Molecular consequence: missense variant.
Genome position (GRCh38, 1-based): chrX:21,648,861, C>T. VCF-style: chrX-21648861-C-T. GRCh37 (hg19) VCF-style: chrX-21666979-C-T.
Other names: c.2633C>T, p.Ser878Leu (NM_001168647.3); c.2576C>T, p.Ser859Leu (NM_001330770.2); c.2486C>T, p.Ser829Leu (NM_001330772.2); short protein forms S908L, S829L, S878L, S859L.
Identifiers: ClinVar variation 1034529 (VCV001034529.11), dbSNP rs1159715093, ClinGen allele CA412553654.